The following is an entry in ClinVar:

NM_139027.6(ADAMTS13):c.1582A>G (p.Arg528Gly)

Gene: ADAMTS13 (ADAM metallopeptidase with thrombospondin type 1 motif 13; plus strand). Cytogenetic location: 9q34.2.
Variant type: single nucleotide variant.
Coding change: c.1582A>G on transcript NM_139027.6 (MANE Select); coding-DNA position 1582, A replaced by G.
Protein change: p.Arg528Gly; replaces arginine 528 with glycine.
Molecular consequence: missense variant.
Genome position (GRCh38, 1-based): chr9:133,437,895, A>G. VCF-style: chr9-133437895-A-G. GRCh37 (hg19) VCF-style: chr9-136303015-A-G.
Other names: c.1582A>G (NM_139025.4); c.1582A>G, p.Arg528Gly (NM_139025.5); c.1489A>G, p.Arg497Gly (NM_139026.6); short protein forms R528G, R497G.
Identifiers: ClinVar variation 5804 (VCV000005804.4), dbSNP rs121908473, ClinGen allele CA117757.

ClinVar aggregate classification (germline): Uncertain significance. Review status: criteria provided, single submitter (1 of 4 stars). 2 submissions from 2 submitters: Uncertain significance (1). 1 of the submissions does not count toward it. Last evaluated 2022-11-11.

Conditions:
Upshaw-Schulman syndrome (TTP). Also called: THROMBOTIC THROMBOCYTOPENIC PURPURA, HEREDITARY; Congenital thrombotic thrombocytopenic purpura. Identifiers: Orphanet 93583, MedGen C1268935, MONDO:0010122, OMIM 274150.

Allele frequency attached by ClinVar (database versions not stated): gnomAD exomes below 0.00001; ExAC 0.00001.
gnomAD v4.1: 1 of 1,613,470 alleles (0.000062%); highest among the groups gnomAD compares: East Asian, 0.0022%; no homozygotes.

Submissions (2):

Mayo Clinic Laboratories, Mayo Clinic
Classification: Uncertain significance. Last evaluated: 2022-11-11. Review status: criteria provided, single submitter. Criteria: ACMG Guidelines, 2015. Collection method: clinical testing. Allele origin: germline. Observed: 1 variant allele.
Comment: PM3

OMIM
Classification: Pathogenic for THROMBOTIC THROMBOCYTOPENIC PURPURA, HEREDITARY. Last evaluated: 2001-10-04. Review status: no assertion criteria provided. Collection method: literature only. Allele origin: germline. Not counted in ClinVar's aggregate classification.

Literature cited by the submitters: PubMed 11586351 (cited by Mayo Clinic Laboratories, Mayo Clinic and OMIM); PubMed 23346910 (cited by Mayo Clinic Laboratories, Mayo Clinic).